The following is an entry in ClinVar:

NM_031433.4(MFRP):c.*234C>A

Genes: C1QTNF5 (C1q and TNF related 5; minus strand), MFRP (membrane frizzled-related protein; minus strand). Cytogenetic location: 11q23.3.
Variant type: single nucleotide variant.
Coding change: c.*234C>A on transcript NM_031433.4 (MANE Select); 234 bases downstream of the stop codon, C replaced by A.
Molecular consequence: 3 prime UTR variant. On other transcripts: 5 prime UTR variant (1).
Genome position (GRCh38, 1-based): chr11:119,341,314, G>T on the plus strand (C>A on the coding strand, the complement: MFRP is on the minus strand). VCF-style: chr11-119341314-G-T. GRCh37 (hg19) VCF-style: chr11-119212024-G-T.
Other names: c.-663C>A (NM_015645.5).
Identifiers: ClinVar variation 879733 (VCV000879733.7), dbSNP rs531117377, ClinGen allele CA229675072.

ClinVar aggregate classification (germline): Conflicting classifications of pathogenicity. Review status: criteria provided, conflicting classifications (1 of 4 stars). 3 submissions from 2 submitters: Uncertain significance (2); Likely benign (1). Last evaluated 2026-03-05.

Conditions:
Isolated microphthalmia 5. Also called: Posterior Microphthalmia with Retinitis Pigmentosa, Foveoschisis, and Optic Disc Drusen. Identifiers: Orphanet 251279, MedGen C1970236, MONDO:0012605, OMIM 611040.
C1QTNF5-related disorder. Also called: C1QTNF5-related condition.
Late-onset retinal degeneration (LORD). Also called: RETINAL DEGENERATION, LATE-ONSET, AUTOSOMAL DOMINANT. Identifiers: Orphanet 67042, MedGen C1854065, MONDO:0011579, OMIM 605670. Disease mechanism: loss of function.

Allele frequency attached by ClinVar (database versions not stated): TOPMed 0.00004; 1000 Genomes Project 30x 0.00047; gnomAD 0.00017 and 0.00001; 1000 Genomes Project 0.00060.
gnomAD v4.1: 253 of 576,168 alleles (0.044%); highest among the groups gnomAD compares: South Asian, 0.52%; 2 homozygotes.

Submissions (3):

PreventionGenetics, part of Exact Sciences
Classification: Likely benign for C1QTNF5-related condition. Last evaluated: 2026-03-05. Review status: criteria provided, single submitter. Criteria: ACMG Guidelines, 2015. Collection method: clinical testing. Allele origin: germline.
Comment: This variant is classified as likely benign based on ACMG/AMP sequence variant interpretation guidelines (Richards et al. 2015 PMID: 25741868, with internal and published modifications).

Illumina Laboratory Services, Illumina
Classification: Uncertain significance for Late-onset retinal degeneration. Last evaluated: 2018-01-15. Review status: criteria provided, single submitter. Criteria: ICSL Variant Classification Criteria 13 December 2019. Collection method: clinical testing. Allele origin: germline.

Illumina Laboratory Services, Illumina
Classification: Uncertain significance for Isolated microphthalmia 5. Last evaluated: 2018-01-15. Review status: criteria provided, single submitter. Criteria: ICSL Variant Classification Criteria 13 December 2019. Collection method: clinical testing. Allele origin: germline.